The following is an entry in ClinVar:

ClinVar aggregate classification (germline): Conflicting classifications of pathogenicity. Review status: criteria provided, conflicting classifications (1 of 4 stars). 4 submissions from 4 submitters: Uncertain significance (1); Likely benign (3). Last evaluated 2026-06-18.

Conditions:
Hereditary cancer-predisposing syndrome. Also called: Tumor predisposition; Hereditary Cancer Syndrome; Hereditary neoplastic syndrome; Neoplastic Syndromes, Hereditary. Identifiers: Orphanet 140162, MedGen C0027672, MeSH D009386, MONDO:0015356.
Retinoblastoma (RB1). Also called: RETINOBLASTOMA, SOMATIC. Identifiers: Orphanet 790, MedGen C0035335, MeSH D012175, MONDO:0008380, OMIM 180200, HP:0009919. Disease mechanism: loss of function. Inheritance: Both sporadic and heritable forms are tested..

Allele frequency attached by ClinVar (database versions not stated): gnomAD exomes below 0.00001 and 0.00001; TOPMed below 0.00001; gnomAD 0.00001; ExAC 0.00002; ESP Exome Variant Server 0.00015.
gnomAD v4.1: 3 of 1,604,422 alleles (0.00019%); highest among the groups gnomAD compares: African/African-American, 0.004%; no homozygotes.

Submissions (4):

Myriad Genetics, Inc.
Classification: Likely benign for Retinoblastoma. Last evaluated: 2026-06-18. Review status: criteria provided, single submitter. Criteria: Myriad Autosomal Dominant, Autosomal Recessive and X-Linked Classification Criteria (2023). Collection method: clinical testing. Allele origin: unknown.
Comment: This variant is considered likely benign. This variant has been observed at a population frequency that is significantly greater than expected given the associated disease prevalence and penetrance.

Labcorp Genetics (formerly Invitae), Labcorp
Classification: Likely benign for Retinoblastoma. Last evaluated: 2026-01-04. Review status: criteria provided, single submitter. Criteria: Invitae Variant Classification Sherloc (09022015). Collection method: clinical testing. Allele origin: germline.

All of Us Research Program, National Institutes of Health
Classification: Uncertain significance for Retinoblastoma. Last evaluated: 2023-06-26. Review status: criteria provided, single submitter. Criteria: ACMG Guidelines, 2015. Collection method: clinical testing. Allele origin: germline. Inheritance: Autosomal dominant inheritance. Observed: 1 variant allele, 1 heterozygote.
Comment: This missense variant replaces glutamic acid with glycine at codon 322 of the RB1 protein. Computational prediction suggests that this variant may have deleterious impact on protein structure and function (internally defined REVEL score threshold >= 0.7, PMID: 27666373). To our knowledge, functional studies have not been reported for this variant. This variant has not been reported in individuals affected with RB1-related disorders in the literature. This variant has been identified in 3/248878 chromosomes in the general population by the Genome Aggregation Database (gnomAD). The available evidence is insufficient to determine the role of this variant in disease conclusively. Therefore, this variant is classified as a Variant of Uncertain Significance.

This study involves interpretation of variants in research participants for the purpose of population health screening. Participant phenotype was not available at the time of variant classification. Additional details can be found in publication PMID: 35346344, PMCID: PMC8962531

Ambry Genetics
Classification: Likely benign for Hereditary cancer-predisposing syndrome. Last evaluated: 2023-03-07. Review status: criteria provided, single submitter. Criteria: Ambry Variant Classification Scheme 2023. Collection method: clinical testing. Allele origin: germline.

NM_000321.3(RB1):c.965A>G (p.Glu322Gly)

Gene: RB1 (RB transcriptional corepressor 1; plus strand). Cytogenetic location: 13q14.2.
Variant type: single nucleotide variant.
Coding change: c.965A>G on transcript NM_000321.3 (MANE Select); coding-DNA position 965, A replaced by G.
Protein change: p.Glu322Gly; replaces glutamic acid 322 with glycine.
Molecular consequence: missense variant.
Genome position (GRCh38, 1-based): chr13:48,367,519, A>G. VCF-style: chr13-48367519-A-G. GRCh37 (hg19) VCF-style: chr13-48941655-A-G.
Other names: short protein forms E322G.
Identifiers: ClinVar variation 841976 (VCV000841976.13), dbSNP rs142620145, ClinGen allele CA040114.